The following is an entry in ClinVar:

NM_014875.3(KIF14):c.3588C>T (p.Asn1196=)

Gene: KIF14 (kinesin family member 14; minus strand). Cytogenetic location: 1q32.1.
Variant type: single nucleotide variant.
Coding change: c.3588C>T on transcript NM_014875.3 (MANE Select); coding-DNA position 3588, C replaced by T.
Protein change: p.Asn1196=; no amino-acid change (asparagine 1196 retained).
Molecular consequence: synonymous variant.
Genome position (GRCh38, 1-based): chr1:200,569,984, G>A on the plus strand (C>T on the coding strand, the complement: KIF14 is on the minus strand). VCF-style: chr1-200569984-G-A. GRCh37 (hg19) VCF-style: chr1-200539112-G-A.
Other names: p.Asn1196=; c.2115C>T, p.Asn705= (NM_001305792.1).
Identifiers: ClinVar variation 2639719 (VCV002639719.25), dbSNP rs776284230, ClinGen allele CA1317211.
Genomic context (GRCh38, chr1:200,569,984, plus strand): 5'-AGAATGCAAATTCTTAATTGGATGGACTTGTATGTCATGTAAACAACCAGAAATTCTTCT[G>A]TTCTTCATCAAACTCCTACTCCTGAAAAAAGACAAACCATAAGATTAGCAGTTCTATACC-3'
Protein context (NP_055690.1, residues 1186-1206): SRRRSRSLMK[Asn1196=]RRISGCLHDI

ClinVar aggregate classification (germline): Likely benign. Review status: criteria provided, multiple submitters, no conflicts (2 of 4 stars). 2 submissions from 2 submitters: Likely benign (2). Last evaluated 2025-10-14.

Allele frequency attached by ClinVar (database versions not stated): ExAC 0.00003; gnomAD 0.00003; TOPMed 0.00003.
gnomAD v4.1: 92 of 1,599,390 alleles (0.0058%); highest among the groups gnomAD compares: Non-Finnish European, 0.007%; no homozygotes.

Submissions (2):

Mayo Clinic Laboratories, Mayo Clinic
Classification: Likely benign. Last evaluated: 2025-10-14. Review status: criteria provided, single submitter. Criteria: ACMG Guidelines, 2015. Collection method: clinical testing. Allele origin: germline. Observed: 1 variant allele.
Comment: BP4, BP7

CeGaT Center for Human Genetics Tuebingen
Classification: Likely benign. Last evaluated: 2023-07-01. Review status: criteria provided, single submitter. Criteria: CeGaT Center For Human Genetics Tuebingen Variant Classification Criteria Version 2. Collection method: clinical testing. Allele origin: germline. Affected: yes. Observed: 2 variant alleles.
Comment: KIF14: BP4, BP7